The following is an entry in ClinVar:

ClinVar aggregate classification (germline): Pathogenic (1 of 4 stars; one submission).

Conditions:
Neurofibromatosis, type 1 (NF1). Also called: Peripheral type neurofibromatosis; VON RECKLINGHAUSEN DISEASE; NEUROFIBROMATOSIS, TYPE I, SOMATIC; Neurofibromatosis, type I. Identifiers: Orphanet 636, MedGen C0027831, MONDO:0018975, OMIM 162200. Disease mechanism: loss of function.

Submission:

Labcorp Genetics (formerly Invitae), Labcorp
Classification: Pathogenic for Neurofibromatosis, type 1. Last evaluated: 2022-02-20. Review status: criteria provided, single submitter. Criteria: Invitae Variant Classification Sherloc (09022015). Collection method: clinical testing. Allele origin: germline.
Comment: This sequence change creates a premature translational stop signal (p.Asp1322Ilefs*5) in the NF1 gene. It is expected to result in an absent or disrupted protein product. Loss-of-function variants in NF1 are known to be pathogenic (PMID: 10712197, 23913538). This variant is not present in population databases (gnomAD no frequency). This variant has not been reported in the literature in individuals affected with NF1-related conditions. ClinVar contains an entry for this variant (Variation ID: 960557). For these reasons, this variant has been classified as Pathogenic.

Literature cited by the submitters: PubMed 10712197; PubMed 23913538.

NM_001042492.3(NF1):c.3964del (p.Asp1322fs)

Gene: NF1 (neurofibromin 1; plus strand). Cytogenetic location: 17q11.2.
Variant type: Deletion.
Coding change: c.3964del on transcript NM_001042492.3 (MANE Select); coding-DNA position 3964, one base deleted (G; older notation c.3964delG).
Protein change: p.Asp1322fs; shifts the reading frame from aspartic acid 1322.
Molecular consequence: frameshift variant.
Genome position (GRCh38, 1-based): chr17:31,236,011, G deleted; the last of 2 consecutive G bases (chr17:31,236,010-31,236,011); deleting either gives the same sequence. VCF-style (leftmost placement, unchanged base first): chr17-31236009-TG-T. GRCh37 (hg19) VCF-style: chr17-29563027-TG-T.
Other names: c.3964delG, p.Asp1322Ilefs (NM_000267.4); short protein forms D1322fs.
Identifiers: ClinVar variation 960557 (VCV000960557.6), dbSNP rs2067195486, ClinGen allele CA1139665349.
Genomic context (GRCh38, chr17:31,236,009, plus strand): 5'-TGGATCCTTTATTACGAATTGTGATCACATCCTCTGATTGGCAACATGTTAGCTTTGAAG[TG>T]GATCCTACCAGGTTTGTCATCTTTTCACATAGAACCGCTGTTTTTTGTTTTTTTTTTTTT-3'